The following is an entry in ClinVar:

ClinVar aggregate classification (germline): Uncertain significance. Review status: criteria provided, multiple submitters, no conflicts (2 of 4 stars). 2 submissions from 2 submitters: Uncertain significance (2). Last evaluated 2023-10-13.

Conditions:
Hereditary cancer-predisposing syndrome. Also called: Neoplastic Syndromes, Hereditary; Tumor predisposition; Hereditary Cancer Syndrome; Hereditary neoplastic syndrome. Identifiers: Orphanet 140162, MedGen C0027672, MeSH D009386, MONDO:0015356.

Allele frequency attached by ClinVar (database versions not stated): TOPMed below 0.00001; gnomAD 0.00001.
gnomAD v4.1: 2 of 1,612,828 alleles (0.00012%); highest among the groups gnomAD compares: Admixed American, 0.0017%; no homozygotes.

Submissions (2):

Ambry Genetics
Classification: Uncertain significance for Hereditary cancer-predisposing syndrome. Last evaluated: 2023-10-13. Review status: criteria provided, single submitter. Criteria: Ambry Variant Classification Scheme 2023. Collection method: clinical testing. Allele origin: germline.
Comment: The p.I223F variant (also known as c.667A>T), located in coding exon 5 of the RAD50 gene, results from an A to T substitution at nucleotide position 667. The isoleucine at codon 223 is replaced by phenylalanine, an amino acid with highly similar properties. This amino acid position is highly conserved in available vertebrate species. In addition, the in silico prediction for this alteration is inconclusive. Since supporting evidence is limited at this time, the clinical significance of this alteration remains unclear.

Labcorp Genetics (formerly Invitae), Labcorp
Classification: Uncertain significance for Hereditary cancer-predisposing syndrome. Last evaluated: 2023-06-23. Review status: criteria provided, single submitter. Criteria: Invitae Variant Classification Sherloc (09022015). Collection method: clinical testing. Allele origin: germline.
Comment: In summary, the available evidence is currently insufficient to determine the role of this variant in disease. Therefore, it has been classified as a Variant of Uncertain Significance. Advanced modeling of protein sequence and biophysical properties (such as structural, functional, and spatial information, amino acid conservation, physicochemical variation, residue mobility, and thermodynamic stability) performed at Invitae indicates that this missense variant is not expected to disrupt RAD50 protein function. ClinVar contains an entry for this variant (Variation ID: 1754836). This variant has not been reported in the literature in individuals affected with RAD50-related conditions. This variant is not present in population databases (gnomAD no frequency). This sequence change replaces isoleucine, which is neutral and non-polar, with phenylalanine, which is neutral and non-polar, at codon 223 of the RAD50 protein (p.Ile223Phe).

NM_005732.4(RAD50):c.667A>T (p.Ile223Phe)

Gene: RAD50 (RAD50 double strand break repair protein; plus strand). Cytogenetic location: 5q31.1.
Variant type: single nucleotide variant.
Coding change: c.667A>T on transcript NM_005732.4 (MANE Select); coding-DNA position 667, A replaced by T.
Protein change: p.Ile223Phe; replaces isoleucine 223 with phenylalanine.
Molecular consequence: missense variant.
Genome position (GRCh38, 1-based): chr5:132,579,977, A>T. VCF-style: chr5-132579977-A-T. GRCh37 (hg19) VCF-style: chr5-131915669-A-T.
Other names: short protein forms I223F.
Identifiers: ClinVar variation 1754836 (VCV001754836.5), dbSNP rs786203061, ClinGen allele CA360936309.